The following is an entry in ClinVar:

ClinVar aggregate classification (germline): Conflicting classifications of pathogenicity. Review status: criteria provided, conflicting classifications (1 of 4 stars). 3 submissions from 3 submitters: Uncertain significance (2); Likely benign (1). Last evaluated 2024-06-17.

Conditions:
Hereditary cancer-predisposing syndrome. Also called: Neoplastic Syndromes, Hereditary; Tumor predisposition; Hereditary Cancer Syndrome; Hereditary neoplastic syndrome. Identifiers: Orphanet 140162, MedGen C0027672, MeSH D009386, MONDO:0015356.
Hereditary breast ovarian cancer syndrome. Also called: Hereditary breast and ovarian cancer syndrome; Hereditary breast and ovarian cancer; Breast and ovarian cancer; Hereditary breast and ovarian cancer syndrome (HBOC); Hereditary breast and/or ovarian cancer syndrome; BRCA1- and BRCA2-Associated Hereditary Breast and Ovarian Cancer. Identifiers: Orphanet 145, MedGen C0677776, MeSH D061325, MONDO:0003582. Disease mechanism: loss of function.

Submissions (3):

Labcorp Genetics (formerly Invitae), Labcorp
Classification: Uncertain significance for Hereditary breast ovarian cancer syndrome. Last evaluated: 2024-06-17. Review status: criteria provided, single submitter. Criteria: Invitae Variant Classification Sherloc (09022015). Collection method: clinical testing. Allele origin: germline.
Comment: This sequence change replaces asparagine, which is neutral and polar, with threonine, which is neutral and polar, at codon 1081 of the BRCA1 protein (p.Asn1081Thr). This variant is not present in population databases (gnomAD no frequency). This variant has not been reported in the literature in individuals affected with BRCA1-related conditions. ClinVar contains an entry for this variant (Variation ID: 1729311). Advanced modeling of protein sequence and biophysical properties (such as structural, functional, and spatial information, amino acid conservation, physicochemical variation, residue mobility, and thermodynamic stability) performed at Invitae indicates that this missense variant is not expected to disrupt BRCA1 protein function with a negative predictive value of 95%. In summary, the available evidence is currently insufficient to determine the role of this variant in disease. Therefore, it has been classified as a Variant of Uncertain Significance.

University of Washington Department of Laboratory Medicine, University of Washington
Classification: Likely benign for Hereditary cancer-predisposing syndrome. Last evaluated: 2023-03-23. Review status: criteria provided, single submitter. Criteria: Dines et al. (Genet Med. 2020). Collection method: curation. Allele origin: germline.
Comment: Missense variant in a coldspot region where missense variants are very unlikely to be pathogenic (PMID:31911673).

BRCA1 coldspot (exon 11 using historical exon numbering). Reclassification based on statistical prior probability

Ambry Genetics
Classification: Uncertain significance for Hereditary cancer-predisposing syndrome. Last evaluated: 2021-10-28. Review status: criteria provided, single submitter. Criteria: Ambry Variant Classification Scheme 2023. Collection method: clinical testing. Allele origin: germline.
Comment: The p.N1081T variant (also known as c.3242A>C), located in coding exon 9 of the BRCA1 gene, results from an A to C substitution at nucleotide position 3242. The asparagine at codon 1081 is replaced by threonine, an amino acid with similar properties. This amino acid position is not well conserved in available vertebrate species. In addition, the in silico prediction for this alteration is inconclusive. Since supporting evidence is limited at this time, the clinical significance of this alteration remains unclear.

NM_007294.4(BRCA1):c.3242A>C (p.Asn1081Thr)

Genes: BRCA1 (BRCA1 DNA repair associated; minus strand), LOC126862571 (BRD4-independent group 4 enhancer GRCh37_chr17:41243136-41244335; plus strand). Cytogenetic location: 17q21.31.
Variant type: single nucleotide variant.
Coding change: c.3242A>C on transcript NM_007294.4 (MANE Select); coding-DNA position 3242, A replaced by C.
Protein change: p.Asn1081Thr; replaces asparagine 1081 with threonine.
Molecular consequence: missense variant. On other transcripts: intron variant (137).
Genome position (GRCh38, 1-based): chr17:43,092,289, T>G on the plus strand (A>C on the coding strand, the complement: BRCA1 is on the minus strand). VCF-style: chr17-43092289-T-G. GRCh37 (hg19) VCF-style: chr17-41244306-T-G.
Other names: c.3242A>C, p.Asn1081Thr (NM_001407624.1, NM_001407625.1, NM_001407626.1 and 30 more transcripts); c.710-1257A>C (NM_001408409.1, NM_001408412.1, NM_001408414.1 and 2 more transcripts); c.575-1257A>C (NM_001408493.1, NM_001408490.1, NM_001408491.1); c.455-1257A>C (NM_001408502.1); c.3239A>C, p.Asn1080Thr (NM_001407627.1, NM_001407615.1, NM_001407587.1 and 22 more transcripts); c.578-1257A>C (NM_001408489.1, NM_001408479.1, NM_001408481.1 and 9 more transcripts); c.3029A>C, p.Asn1010Thr (NM_001407571.1, NM_001407853.1, NM_001407894.1 and 9 more transcripts); c.3233A>C, p.Asn1078Thr (NM_001407646.1, NM_001407647.1); and 41 more; short protein forms N1039T, N1054T, N785T, N1033T, N1080T, N1081T, N993T, N1010T.
Identifiers: ClinVar variation 1729311 (VCV001729311.6), dbSNP rs753440254, ClinGen allele CA10595499.
Genomic context (GRCh38, chr17:43,092,289, plus strand): 5'-CTTCCAGGAAGACTTTGTTTATAGACCTCAGGTTGCAAAACCCCTAATCTAAGCATAGCA[T>G]TCAATTTTGGCCCTCTGTTTCTACCTAGTTCTGCTTGAATGTTTTCATCACTGGAACCTA-3'
Protein context (NP_009225.1, residues 1071-1091): ELGRNRGPKL[Asn1081Thr]AMLRLGVLQP